The following is an entry in ClinVar:

Conditions:
Breast-ovarian cancer, familial, susceptibility to, 1 (BROVCA1). Also called: BRCA1 Hereditary Breast and Ovarian Cancer; OVARIAN CANCER, SUSCEPTIBILITY TO. Identifiers: Orphanet 145, MedGen C2676676, MONDO:0011450, OMIM 604370. Disease mechanism: loss of function.

Submission:

Brotman Baty Institute, University of Washington
No classification provided (evidence only). Condition: Breast-ovarian cancer, familial 1. Review status: no classification provided. Collection method: in vitro. Allele origin: not applicable. Functional consequence: functionally_normal.
ClinVar note: "not provided" was previously submitted as the classification for the variant. However, the classification appeared to be based only on an observation of functional data so it was converted to no classification on 2025-07-30.

NM_007294.4(BRCA1):c.4940A>T (p.Asn1647Ile)

Gene: BRCA1 (BRCA1 DNA repair associated; minus strand). Cytogenetic location: 17q21.31.
Variant type: single nucleotide variant.
Coding change: c.4940A>T on transcript NM_007294.4 (MANE Select); coding-DNA position 4940, A replaced by T.
Protein change: p.Asn1647Ile; replaces asparagine 1647 with isoleucine.
Molecular consequence: missense variant. On other transcripts: non-coding transcript variant (1).
Genome position (GRCh38, 1-based): chr17:43,070,974, T>A on the plus strand (A>T on the coding strand, the complement: BRCA1 is on the minus strand). VCF-style: chr17-43070974-T-A. GRCh37 (hg19) VCF-style: chr17-41222991-T-A.
Other names: c.4727A>T, p.Asn1576Ile (NM_001407571.1, NM_001407907.1, NM_001407908.1 and 12 more transcripts); c.5006A>T, p.Asn1669Ile (NM_001407581.1, NM_001407582.1); c.5003A>T, p.Asn1668Ile (NM_001407583.1, NM_001407585.1, NM_001407587.1 and 1 more transcripts); c.5000A>T, p.Asn1667Ile (NM_001407590.1, NM_001407591.1); c.4940A>T, p.Asn1647Ile (NM_001407593.1, NM_001407594.1, NM_001407596.1 and 8 more transcripts); c.4937A>T, p.Asn1646Ile (NM_001407614.1, NM_001407615.1, NM_001407616.1 and 17 more transcripts); c.4934A>T, p.Asn1645Ile (NM_001407633.1, NM_001407634.1, NM_001407635.1 and 14 more transcripts); c.4862A>T, p.Asn1621Ile (NM_001407655.1, NM_001407653.1, NM_001407654.1); and 70 more; short protein forms N1600I, N543I, N1647I, N1668I, N1351I, N1519I, N1559I, N1604I.
Identifiers: ClinVar variation 865709 (VCV000865709.3), dbSNP rs2052370581, ClinGen allele CA10591643.